The following is an entry in ClinVar:

NM_003072.5(SMARCA4):c.3553C>G (p.Gln1185Glu)

Gene: SMARCA4 (SWI/SNF related BAF chromatin remodeling complex subunit ATPase 4; plus strand). Cytogenetic location: 19p13.2.
Variant type: single nucleotide variant.
Coding change: c.3553C>G on transcript NM_003072.5 (MANE Select); coding-DNA position 3553, C replaced by G.
Protein change: p.Gln1185Glu; replaces glutamine 1185 with glutamic acid.
Molecular consequence: missense variant. On other transcripts: non-coding transcript variant (1).
Genome position (GRCh38, 1-based): chr19:11,033,296, C>G. VCF-style: chr19-11033296-C-G. GRCh37 (hg19) VCF-style: chr19-11143972-C-G.
Other names: c.3553C>G, p.Gln1185Glu (NM_001128844.3, NM_001128845.2, NM_001128846.2 and 6 more transcripts); short protein forms Q1185E.
Identifiers: ClinVar variation 4530282 (VCV004530282.1).
Genomic context (GRCh38, chr19:11,033,296, plus strand): 5'-CCCTTTTATGACCTCCTGGGCTCCTTTGGGACTGACTGGCACCTCTTCCCCCAGGACCTG[C>G]AAGCGCAGGACCGAGCCCACCGCATCGGGCAGCAGAACGAGGTGCGTGTGCTCCGCCTCT-3'
Protein context (NP_003063.2, residues 1175-1195): DSDWNPHQDL[Gln1185Glu]AQDRAHRIGQ

ClinVar aggregate classification (somatic clinical impact): Tier II - Potential (1 of 4 stars; one submission).

Conditions:
Neuroblastoma (NB). Identifiers: Orphanet 635, MedGen C0027819, MeSH D009447, MONDO:0005072, HP:0003006.

Submission:

Institute for Genomic Medicine (IGM) Clinical Laboratory, Nationwide Children's Hospital
Classification: Tier II - Potential for Neuroblastoma. Assertion type: diagnostic. Clinical significance: supports diagnosis. Last evaluated: 2025-08-04. Review status: criteria provided, single submitter. Criteria: AMP/ASCO/CAP Guidelines, 2017. Collection method: clinical testing. Allele origin: somatic. Affected: yes.
Comment: Variant has Tier II (potential) clinical significance as a diagnostic inclusion criterion in neuroblastoma, based on the following evidence: 1) Assists in diagnosis alone or along with other biomarkers based on small studies or few case reports (Evidence Level D; PMIDs: 31018240, 33056981, 29992558, 36813544).

Literature cited by the submitters: PubMed 31018240; PubMed 33056981; PubMed 29992558; PubMed 36813544.